The following is an entry in ClinVar:

ClinVar aggregate classification (germline): Pathogenic. Review status: criteria provided, multiple submitters, no conflicts (2 of 4 stars). 5 submissions from 5 submitters: Pathogenic (4). 1 of the submissions does not count toward it. Last evaluated 2025-11-07.

Conditions:
Oculocutaneous albinism type 1. Also called: Albinism 1; ALBINISM I. Identifiers: Orphanet 352731, MedGen C0268494, MONDO:0018135. Disease mechanism: loss of function.
SKIN/HAIR/EYE PIGMENTATION 3, LIGHT/DARK SKIN (SHEP3). Also called: SKIN/HAIR/EYE PIGMENTATION 3, BLUE/GREEN EYE COLOR; SKIN/HAIR/EYE PIGMENTATION 3, FRECKLING; SKIN/HAIR/EYE PIGMENTATION, VARIATION IN, 3; EYE COLOR 1; EYE COLOR, GREEN/BLUE. Identifiers: MedGen C2677190, OMIM 601800.

Submissions (5):

Myriad Genetics, Inc.
Classification: Pathogenic for Oculocutaneous albinism type 1. Last evaluated: 2025-11-07. Review status: criteria provided, single submitter. Criteria: Myriad Autosomal Dominant, Autosomal Recessive and X-Linked Classification Criteria (2023). Collection method: clinical testing. Allele origin: unknown.
Comment: NM_000372.4(TYR):c.344_345delGA(R115Tfs*53) is a frameshift variant classified as pathogenic in the context of oculocutaneous albinism, TYR-related. R115Tfs*53 has not been observed in cases with relevant disease. Relevant functional assessments of this variant are not available in the literature. R115Tfs*53 has been observed in referenced population frequency databases. In summary, NM_000372.4(TYR):c.344_345delGA(R115Tfs*53) is a frameshift variant in a gene where loss of function is a known mechanism of disease and is predicted to disrupt protein function. Please note: this variant was assessed in the context of healthy population screening.

Labcorp Genetics (formerly Invitae), Labcorp
Classification: Pathogenic. Last evaluated: 2025-10-12. Review status: criteria provided, single submitter. Criteria: Invitae Variant Classification Sherloc (09022015). Collection method: clinical testing. Allele origin: germline.
Comment: This sequence change creates a premature translational stop signal (p.Arg115Thrfs*53) in the TYR gene. It is expected to result in an absent or disrupted protein product. Loss-of-function variants in TYR are known to be pathogenic (PMID: 23504663). This variant is not present in population databases (gnomAD no frequency). This premature translational stop signal has been observed in individual(s) with ocular albinism type 1A (PMID: 8364542). This variant is also known as -∆GA115. ClinVar contains an entry for this variant (Variation ID: 99564). For these reasons, this variant has been classified as Pathogenic.

Baylor Genetics
Classification: Pathogenic for SKIN/HAIR/EYE PIGMENTATION 3, LIGHT/DARK SKIN. Last evaluated: 2024-03-16. Review status: criteria provided, single submitter. Criteria: ACMG Guidelines, 2015. Collection method: clinical testing. Allele origin: unknown.

GeneDx
Classification: Pathogenic. Last evaluated: 2023-07-26. Review status: criteria provided, single submitter. Criteria: GeneDx Variant Classification Process June 2021. Collection method: clinical testing. Allele origin: germline. Affected: yes.
Comment: Frameshift variant predicted to result in protein truncation or nonsense mediated decay in a gene for which loss of function is a known mechanism of disease; Not observed at significant frequency in large population cohorts (gnomAD); This variant is associated with the following publications: (PMID: 8364542)

Retina International
No classification provided. Review status: no classification provided. Collection method: not provided. Allele origin: not provided. Not counted in ClinVar's aggregate classification.

Literature cited by the submitters: PubMed 23504663 (cited by Labcorp Genetics (formerly Invitae), Labcorp); PubMed 8364542 (cited by Labcorp Genetics (formerly Invitae), Labcorp).

NM_000372.5(TYR):c.344_345del (p.Arg115fs)

Gene: TYR (tyrosinase; plus strand). Cytogenetic location: 11q14.3.
Variant type: Microsatellite.
Coding change: c.344_345del on transcript NM_000372.5 (MANE Select); coding-DNA positions 344 to 345, 2 bases deleted (GA; older notation c.344_345delGA).
Protein change: p.Arg115fs; shifts the reading frame from arginine 115.
Molecular consequence: frameshift variant.
Genome position (GRCh38, 1-based): chr11:89,178,297-89,178,298, GA deleted; deleting any 2 consecutive bases within chr11:89,178,292-89,178,298 gives the same sequence; the c. name uses the placement nearest the transcript's 3' end. VCF-style (leftmost placement, unchanged base first): chr11-89178291-CAG-C. GRCh37 (hg19) VCF-style: chr11-88911459-CAG-C.
Other names: c.344_345del (NM_000372.4); short protein forms R115fs.
Identifiers: ClinVar variation 99564 (VCV000099564.8), dbSNP rs61753255, ClinGen allele CA227561.
Genomic context (GRCh38, chr11:89,178,291, plus strand): 5'-GCAACTTCATGGGATTCAACTGTGGAAACTGCAAGTTTGGCTTTTGGGGACCAAACTGCA[CAG>C]AGAGACGACTCTTGGTGAGAAGAAACATCTTCGATTTGAGTGCCCCAGAGAAGGACAAAT-3'